The following is an entry in ClinVar:

NM_000465.4(BARD1):c.2233T>C (p.Tyr745His)

Gene: BARD1 (BRCA1 associated RING domain 1; minus strand). Cytogenetic location: 2q35.
Variant type: single nucleotide variant.
Coding change: c.2233T>C on transcript NM_000465.4 (MANE Select); coding-DNA position 2233, T replaced by C.
Protein change: p.Tyr745His; replaces tyrosine 745 with histidine.
Molecular consequence: missense variant. On other transcripts: non-coding transcript variant (3).
Genome position (GRCh38, 1-based): chr2:214,728,777, A>G on the plus strand (T>C on the coding strand, the complement: BARD1 is on the minus strand). VCF-style: chr2-214728777-A-G. GRCh37 (hg19) VCF-style: chr2-215593501-A-G.
Other names: c.2176T>C, p.Tyr726His (NM_001282543.2); c.880T>C, p.Tyr294His (NM_001282545.2); c.823T>C, p.Tyr275His (NM_001282548.2); c.694T>C, p.Tyr232His (NM_001282549.2); c.2233T>C (NM_000465.2); short protein forms Y294H, Y726H, Y745H, Y232H, Y275H.
Identifiers: ClinVar variation 1492878 (VCV001492878.7), dbSNP rs771109295, ClinGen allele CA350450074.

ClinVar aggregate classification (germline): Conflicting classifications of pathogenicity. Review status: criteria provided, conflicting classifications (1 of 4 stars). 2 submissions from 2 submitters: Uncertain significance (1); Likely benign (1). Last evaluated 2025-07-18.

Conditions:
Hereditary cancer-predisposing syndrome. Also called: Tumor predisposition; Hereditary neoplastic syndrome; Neoplastic Syndromes, Hereditary; Hereditary Cancer Syndrome. Identifiers: Orphanet 140162, MedGen C0027672, MeSH D009386, MONDO:0015356.
Familial cancer of breast. Also called: BREAST CANCER, FAMILIAL; Hereditary breast cancer; hereditary breast carcinoma. Identifiers: Orphanet 227535, MedGen C0346153, MONDO:0016419, OMIM 114480. Disease mechanism: loss of function.

Submissions (2):

Ambry Genetics
Classification: Likely benign for Hereditary cancer-predisposing syndrome. Last evaluated: 2025-07-18. Review status: criteria provided, single submitter. Criteria: Ambry Variant Classification Scheme 2023. Collection method: clinical testing. Allele origin: germline.

Labcorp Genetics (formerly Invitae), Labcorp
Classification: Uncertain significance for Familial cancer of breast. Last evaluated: 2022-10-03. Review status: criteria provided, single submitter. Criteria: Invitae Variant Classification Sherloc (09022015). Collection method: clinical testing. Allele origin: germline.
Comment: This sequence change replaces tyrosine, which is neutral and polar, with histidine, which is basic and polar, at codon 745 of the BARD1 protein (p.Tyr745His). This variant is present in population databases (no rsID available, gnomAD 0.0009%). This variant has not been reported in the literature in individuals affected with BARD1-related conditions. ClinVar contains an entry for this variant (Variation ID: 1492878). Algorithms developed to predict the effect of missense changes on protein structure and function output the following: SIFT: "Tolerated"; PolyPhen-2: "Benign"; Align-GVGD: "Class C0". The histidine amino acid residue is found in multiple mammalian species, which suggests that this missense change does not adversely affect protein function. In summary, the available evidence is currently insufficient to determine the role of this variant in disease. Therefore, it has been classified as a Variant of Uncertain Significance.